The following is an entry in ClinVar:

ClinVar aggregate classification (germline): Likely benign. Review status: criteria provided, multiple submitters, no conflicts (2 of 4 stars). 2 submissions from 2 submitters: Likely benign (2). Last evaluated 2025-11-01.

gnomAD v4.1: 6 of 1,609,718 alleles (0.00037%); highest among the groups gnomAD compares: Admixed American, 0.005%; no homozygotes.

Submissions (2):

CeGaT Center for Human Genetics Tuebingen
Classification: Likely benign. Last evaluated: 2025-11-01. Review status: criteria provided, single submitter. Criteria: CeGaT Center For Human Genetics Tuebingen Variant Classification Criteria Version 2. Collection method: clinical testing. Allele origin: germline. Affected: yes. Observed: 1 variant allele.
Comment: CUX2: BP4, BP7

Blueprint Genetics
Classification: Likely benign. Last evaluated: 2023-02-09. Review status: criteria provided, single submitter. Criteria: ACMG Guidelines, 2015. Collection method: clinical testing. Allele origin: germline.

NM_015267.4(CUX2):c.651G>T (p.Thr217=)

Gene: CUX2 (cut like homeobox 2; plus strand). Cytogenetic location: 12q24.11.
Variant type: single nucleotide variant.
Coding change: c.651G>T on transcript NM_015267.4 (MANE Select); coding-DNA position 651, G replaced by T.
Protein change: p.Thr217=; no amino-acid change (threonine 217 retained).
Molecular consequence: synonymous variant.
Genome position (GRCh38, 1-based): chr12:111,296,486, G>T. VCF-style: chr12-111296486-G-T. GRCh37 (hg19) VCF-style: chr12-111734290-G-T.
Other names: c.465G>T, p.Thr155= (NM_001370598.1).
Identifiers: ClinVar variation 4535479 (VCV004535479.7).